The following is an entry in ClinVar:

NM_005660.3(SLC35A2):c.484C>A (p.Arg162Ser)

Gene: SLC35A2 (solute carrier family 35 member A2; minus strand). Cytogenetic location: Xp11.23.
Variant type: single nucleotide variant.
Coding change: c.484C>A on transcript NM_005660.3 (MANE Select); coding-DNA position 484, C replaced by A.
Protein change: p.Arg162Ser; replaces arginine 162 with serine.
Molecular consequence: missense variant. On other transcripts: intron variant (3).
Genome position (GRCh38, 1-based): chrX:48,905,425, G>T on the plus strand (C>A on the coding strand, the complement: SLC35A2 is on the minus strand). VCF-style: chrX-48905425-G-T. GRCh37 (hg19) VCF-style: chrX-48762702-G-T.
Other names: c.484C>A, p.Arg162Ser (NM_001042498.3); c.301C>A, p.Arg101Ser (NM_001282649.2); c.523C>A, p.Arg175Ser (NM_001282650.2); c.568C>A, p.Arg190Ser (NM_001282651.2); c.427-533C>A (NM_001282647.2, NM_001032289.3); c.355-533C>A (NM_001282648.2); short protein forms R101S, R162S, R175S, R190S.
Identifiers: ClinVar variation 1695626 (VCV001695626.2), dbSNP rs2147487684, ClinGen allele CA412895866.

ClinVar aggregate classification (germline): Uncertain significance (1 of 4 stars; one submission).

Submission:

GeneDx
Classification: Uncertain significance. Last evaluated: 2022-01-06. Review status: criteria provided, single submitter. Criteria: GeneDx Variant Classification Process June 2021. Collection method: clinical testing. Allele origin: germline. Affected: yes.
Comment: Not observed at significant frequency in large population cohorts (gnomAD); In silico analysis supports that this missense variant has a deleterious effect on protein structure/function; Has not been previously published as pathogenic or benign to our knowledge